The following is an entry in ClinVar:

NM_000482.4(APOA4):c.149A>G (p.Gln50Arg)

Gene: APOA4 (apolipoprotein A4; minus strand). Cytogenetic location: 11q23.3.
Variant type: single nucleotide variant.
Coding change: c.149A>G on transcript NM_000482.4 (MANE Select); coding-DNA position 149, A replaced by G.
Protein change: p.Gln50Arg; replaces glutamine 50 with arginine.
Molecular consequence: missense variant.
Genome position (GRCh38, 1-based): chr11:116,822,686, T>C on the plus strand (A>G on the coding strand, the complement: APOA4 is on the minus strand). VCF-style: chr11-116822686-T-C. GRCh37 (hg19) VCF-style: chr11-116693402-T-C.
Other names: short protein forms Q50R.
Identifiers: ClinVar variation 2376269 (VCV002376269.5), dbSNP rs777882407, ClinGen allele CA6289525.

ClinVar aggregate classification (germline): Uncertain significance. Review status: criteria provided, multiple submitters, no conflicts (2 of 4 stars). 2 submissions from 2 submitters: Uncertain significance (2). Last evaluated 2025-02-24.

Allele frequency attached by ClinVar (database versions not stated): gnomAD 0.00011; TOPMed 0.00020; ExAC 0.00012; gnomAD exomes 0.00004.

Submissions (2):

Labcorp Genetics (formerly Invitae), Labcorp
Classification: Uncertain significance. Last evaluated: 2025-02-24. Review status: criteria provided, single submitter. Criteria: Invitae Variant Classification Sherloc (09022015). Collection method: clinical testing. Allele origin: germline.
Comment: This sequence change replaces glutamine, which is neutral and polar, with arginine, which is basic and polar, at codon 50 of the APOA4 protein (p.Gln50Arg). This variant is present in population databases (rs777882407, gnomAD 0.02%). This missense change has been observed in individual(s) with clinical features of APOA4-related conditions (PMID: 36325899). ClinVar contains an entry for this variant (Variation ID: 2376269). Invitae Evidence Modeling of protein sequence and biophysical properties (such as structural, functional, and spatial information, amino acid conservation, physicochemical variation, residue mobility, and thermodynamic stability) indicates that this missense variant is expected to disrupt APOA4 protein function with a positive predictive value of 80%. In summary, the available evidence is currently insufficient to determine the role of this variant in disease. Therefore, it has been classified as a Variant of Uncertain Significance.

Ambry Genetics
Classification: Uncertain significance. Last evaluated: 2024-12-10. Review status: criteria provided, single submitter. Criteria: Ambry Variant Classification Scheme 2023. Collection method: clinical testing. Allele origin: germline.

Literature cited by the submitters: PubMed 36325899 (cited by Labcorp Genetics (formerly Invitae), Labcorp).